The following is an entry in ClinVar:

NM_000535.7(PMS2):c.556del (p.Gln186fs)

Gene: PMS2 (PMS1 homolog 2, mismatch repair system component; minus strand). Cytogenetic location: 7p22.1.
Variant type: Deletion.
Coding change: c.556del on transcript NM_000535.7 (MANE Select); coding-DNA position 556, one base deleted (C; older notation c.556delC).
Protein change: p.Gln186fs; shifts the reading frame from glutamine 186.
Molecular consequence: frameshift variant. On other transcripts: non-coding transcript variant (1), intron variant (3).
Genome position (GRCh38, 1-based): chr7:5,999,257, G deleted on the plus strand (C on the coding strand, the reverse complement: PMS2 is on the minus strand); the first of 2 consecutive G bases (chr7:5,999,257-5,999,258); deleting either gives the same sequence. VCF-style (leftmost placement, unchanged base first): chr7-5999256-TG-T. GRCh37 (hg19) VCF-style: chr7-6038887-TG-T.
Other names: c.150delC, p.Gln51Argfs (NM_001018040.1, NM_001406887.1, NM_001406888.1 and 17 more transcripts); c.151del, p.Gln51fs (NM_001322003.2, NM_001322004.2, NM_001322005.2 and 2 more transcripts); c.556del, p.Gln186fs (NM_001322006.2, NM_001322014.2); c.238del, p.Gln80fs (NM_001322007.2, NM_001322008.2); c.247del, p.Gln83fs (NM_001322015.2); c.741delC, p.Gln248Argfs (NM_001406866.1); c.579delC, p.Gln194Argfs (NM_001406868.1); c.555delC, p.Gln186Argfs (NM_001406869.1, NM_001406870.1, NM_001406871.1 and 3 more transcripts); and 5 more; short protein forms Q83fs, Q186fs, Q80fs, Q51fs.
Identifiers: ClinVar variation 1748356 (VCV001748356.2), dbSNP rs2536325533, ClinGen allele CA2580076776.

ClinVar aggregate classification (germline): Pathogenic (1 of 4 stars; one submission).

Conditions:
Hereditary cancer-predisposing syndrome. Also called: Hereditary Cancer Syndrome; Hereditary neoplastic syndrome; Neoplastic Syndromes, Hereditary; Tumor predisposition. Identifiers: Orphanet 140162, MedGen C0027672, MeSH D009386, MONDO:0015356.

Submission:

Ambry Genetics
Classification: Pathogenic for Hereditary cancer-predisposing syndrome. Last evaluated: 2022-01-19. Review status: criteria provided, single submitter. Criteria: Ambry Variant Classification Scheme 2023. Collection method: clinical testing. Allele origin: germline.
Comment: The c.556delC pathogenic mutation, located in coding exon 6 of the PMS2 gene, results from a deletion of one nucleotide at nucleotide position 556, causing a translational frameshift with a predicted alternate stop codon (p.Q186Rfs*15). This alteration is expected to result in loss of function by premature protein truncation or nonsense-mediated mRNA decay. As such, this alteration is interpreted as a disease-causing mutation.